The following is an entry in ClinVar:

ClinVar aggregate classification (germline): Uncertain significance. Review status: criteria provided, multiple submitters, no conflicts (2 of 4 stars). 3 submissions from 3 submitters: Uncertain significance (3). Last evaluated 2024-12-13.

Conditions:
Hereditary cancer-predisposing syndrome. Also called: Hereditary neoplastic syndrome; Neoplastic Syndromes, Hereditary; Tumor predisposition; Hereditary Cancer Syndrome. Identifiers: Orphanet 140162, MedGen C0027672, MeSH D009386, MONDO:0015356.
Ataxia-telangiectasia syndrome (AT). Also called: Ataxia telangiectasia (A-T); LOUIS-BAR SYNDROME; Cerebello-oculocutaneous telangiectasia; Immunodeficiency with ataxia telangiectasia; Ataxia-telangiectasia, complementation group D; AT, COMPLEMENTATION GROUP C. Identifiers: Orphanet 100, MedGen C0004135, MONDO:0008840, OMIM 208900.

Submissions (3):

Ambry Genetics
Classification: Uncertain significance for Hereditary cancer-predisposing syndrome. Last evaluated: 2024-12-13. Review status: criteria provided, single submitter. Criteria: Ambry Variant Classification Scheme 2023. Collection method: clinical testing. Allele origin: germline.
Comment: The p.K24M variant (also known as c.71A>T), located in coding exon 1 of the ATM gene, results from an A to T substitution at nucleotide position 71. The lysine at codon 24 is replaced by methionine, an amino acid with similar properties. This nucleotide position is poorly conserved in available vertebrate species. In silico splice site analysis predicts that this alteration will weaken the native splice donor site. RNA studies have demonstrated that this alteration results in an incomplete splice defect; the clinical impact of this abnormal splicing is unknown at this time (Ambry internal data). This amino acid position is poorly conserved in available vertebrate species. In addition, this alteration is predicted to be tolerated by in silico analysis. Based on the available evidence, the clinical significance of this variant remains unclear.

Labcorp Genetics (formerly Invitae), Labcorp
Classification: Uncertain significance for Ataxia-telangiectasia syndrome. Last evaluated: 2024-05-04. Review status: criteria provided, single submitter. Criteria: Invitae Variant Classification Sherloc (09022015). Collection method: clinical testing. Allele origin: germline.
Comment: This sequence change replaces lysine, which is basic and polar, with methionine, which is neutral and non-polar, at codon 24 of the ATM protein (p.Lys24Met). This variant is not present in population databases (gnomAD no frequency). This variant has not been reported in the literature in individuals affected with ATM-related conditions. ClinVar contains an entry for this variant (Variation ID: 407733). An algorithm developed to predict the effect of missense changes on protein structure and function (PolyPhen-2) suggests that this variant is likely to be disruptive. Algorithms developed to predict the effect of sequence changes on RNA splicing suggest that this variant may disrupt the consensus splice site. In summary, the available evidence is currently insufficient to determine the role of this variant in disease. Therefore, it has been classified as a Variant of Uncertain Significance.

Color Diagnostics, LLC DBA Color Health
Classification: Uncertain significance for Hereditary cancer-predisposing syndrome. Last evaluated: 2019-06-06. Review status: criteria provided, single submitter. Criteria: ACMG Guidelines, 2015. Collection method: clinical testing. Allele origin: germline.

NM_000051.4(ATM):c.71A>T (p.Lys24Met)

Gene: ATM (ATM serine/threonine kinase; plus strand). Cytogenetic location: 11q22.3.
Variant type: single nucleotide variant.
Coding change: c.71A>T on transcript NM_000051.4 (MANE Select); coding-DNA position 71, A replaced by T.
Protein change: p.Lys24Met; replaces lysine 24 with methionine.
Molecular consequence: missense variant.
Genome position (GRCh38, 1-based): chr11:108,227,695, A>T. VCF-style: chr11-108227695-A-T. GRCh37 (hg19) VCF-style: chr11-108098422-A-T.
Other names: c.71A>T, p.Lys24Met (NM_001351834.2, NM_001351835.2, NM_001351836.2); short protein forms K24M.
Identifiers: ClinVar variation 407733 (VCV000407733.18), dbSNP rs1060501710, ClinGen allele CA16613291.